The following is an entry in ClinVar:

ClinVar aggregate classification (germline): Uncertain significance (1 of 4 stars; one submission).

Submission:

Labcorp Genetics (formerly Invitae), Labcorp
Classification: Uncertain significance. Last evaluated: 2025-07-09. Review status: criteria provided, single submitter. Criteria: Invitae Variant Classification Sherloc (09022015). Collection method: clinical testing. Allele origin: germline.
Comment: This sequence change replaces valine, which is neutral and non-polar, with glutamic acid, which is acidic and polar, at codon 70 of the PPM1D protein (p.Val70Glu). This variant is not present in population databases (gnomAD no frequency). This variant has not been reported in the literature in individuals affected with PPM1D-related conditions. ClinVar contains an entry for this variant (Variation ID: 3718386). An algorithm developed to predict the effect of missense changes on protein structure and function (PolyPhen-2) suggests that this variant is likely to be tolerated. In summary, the available evidence is currently insufficient to determine the role of this variant in disease. Therefore, it has been classified as a Variant of Uncertain Significance.

NM_003620.4(PPM1D):c.209T>A (p.Val70Glu)

Gene: PPM1D (protein phosphatase, Mg2+/Mn2+ dependent 1D; plus strand). Cytogenetic location: 17q23.2.
Variant type: single nucleotide variant.
Coding change: c.209T>A on transcript NM_003620.4 (MANE Select); coding-DNA position 209, T replaced by A.
Protein change: p.Val70Glu; replaces valine 70 with glutamic acid.
Molecular consequence: missense variant.
Genome position (GRCh38, 1-based): chr17:60,600,623, T>A. VCF-style: chr17-60600623-T-A. GRCh37 (hg19) VCF-style: chr17-58677984-T-A.
Other names: short protein forms V70E.
Identifiers: ClinVar variation 3718386 (VCV003718386.2).